The following is an entry in ClinVar:

NM_006206.6(PDGFRA):c.2194A>T (p.Met732Leu)

Gene: PDGFRA (platelet derived growth factor receptor alpha; plus strand). Cytogenetic location: 4q12.
Variant type: single nucleotide variant.
Coding change: c.2194A>T on transcript NM_006206.6 (MANE Select); coding-DNA position 2194, A replaced by T.
Protein change: p.Met732Leu; replaces methionine 732 with leucine.
Molecular consequence: missense variant.
Genome position (GRCh38, 1-based): chr4:54,280,353, A>T. VCF-style: chr4-54280353-A-T. GRCh37 (hg19) VCF-style: chr4-55146520-A-T.
Other names: c.2194A>T, p.Met732Leu (NM_001347827.2, NM_001347829.2); c.2269A>T, p.Met757Leu (NM_001347828.2); c.2233A>T, p.Met745Leu (NM_001347830.2); short protein forms M745L, M732L, M757L.
Identifiers: ClinVar variation 2104461 (VCV002104461.4), dbSNP rs749523527, ClinGen allele CA356894274.

ClinVar aggregate classification (germline): Uncertain significance (1 of 4 stars; one submission).

Conditions:
Gastrointestinal stromal tumor. Also called: Gastrointestinal stroma tumor; Gastrointestinal stromal tumor, somatic. Identifiers: Orphanet 44890, MedGen C0238198, MeSH D046152, MONDO:0011719, OMIM 606764, HP:0100723.

Submission:

Labcorp Genetics (formerly Invitae), Labcorp
Classification: Uncertain significance for Gastrointestinal stromal tumor. Last evaluated: 2022-02-28. Review status: criteria provided, single submitter. Criteria: Invitae Variant Classification Sherloc (09022015). Collection method: clinical testing. Allele origin: germline.
Comment: In summary, the available evidence is currently insufficient to determine the role of this variant in disease. Therefore, it has been classified as a Variant of Uncertain Significance. Algorithms developed to predict the effect of missense changes on protein structure and function (SIFT, PolyPhen-2, Align-GVGD) all suggest that this variant is likely to be tolerated. This variant has not been reported in the literature in individuals affected with PDGFRA-related conditions. This variant is not present in population databases (gnomAD no frequency). This sequence change replaces methionine, which is neutral and non-polar, with leucine, which is neutral and non-polar, at codon 732 of the PDGFRA protein (p.Met732Leu).